The following is an entry in ClinVar:

NM_013254.4(TBK1):c.149A>C (p.Asp50Ala)

Gene: TBK1 (TANK binding kinase 1; plus strand). Cytogenetic location: 12q14.2.
Variant type: single nucleotide variant.
Coding change: c.149A>C on transcript NM_013254.4 (MANE Select); coding-DNA position 149, A replaced by C.
Protein change: p.Asp50Ala; replaces aspartic acid 50 with alanine.
Molecular consequence: missense variant.
Genome position (GRCh38, 1-based): chr12:64,460,250, A>C. VCF-style: chr12-64460250-A-C. GRCh37 (hg19) VCF-style: chr12-64854030-A-C.
Other names: c.149A>C, p.Asp50Ala (LRG_1306t1); short protein forms D50A.
Identifiers: ClinVar variation 495316 (VCV000495316.7), dbSNP rs1010930015, ClinGen allele CA238250177.

ClinVar aggregate classification (germline): Uncertain significance. Review status: criteria provided, multiple submitters, no conflicts (2 of 4 stars). 4 submissions from 4 submitters: Uncertain significance (2). 2 of the submissions do not count toward it. Last evaluated 2025-10-14.

Conditions:
Frontotemporal dementia and/or amyotrophic lateral sclerosis 4. Also called: FTDALS4. Identifiers: Orphanet 275872, MedGen C4225325, MONDO:0014641, OMIM 616439.
Encephalopathy, acute, infection-induced (herpes-specific), susceptibility to, 8. Also called: HERPES SIMPLEX ENCEPHALITIS, SUSCEPTIBILITY TO, 6. Identifiers: MedGen C4693542, MONDO:0054754, OMIM 617900.
TBK1-related disorder. Also called: TBK1-related condition.

Allele frequency attached by ClinVar (database versions not stated): gnomAD exomes below 0.00001; gnomAD 0.00001; TOPMed 0.00001.
gnomAD v4.1: 10 of 1,586,246 alleles (0.00063%); highest among the groups gnomAD compares: Non-Finnish European, 0.00077%; no homozygotes.

Submissions (4):

Women's Health and Genetics/Laboratory Corporation of America, LabCorp
Classification: Uncertain significance. Last evaluated: 2025-10-14. Review status: criteria provided, single submitter. Criteria: LabCorp Variant Classification Summary - May 2015. Collection method: clinical testing. Allele origin: germline.
Comment: Variant summary: TBK1 c.149A>C (p.Asp50Ala) results in a non-conservative amino acid change in the encoded protein sequence. Algorithms developed to predict the effect of missense changes on protein structure and function are either unavailable or do not agree on the potential impact of this missense change. The variant allele was found at a frequency of 4.2e-06 in 237852 control chromosomes. The available data on variant occurrences in the general population are insufficient to allow any conclusion about variant significance. c.149A>C has been observed in individual(s) affected with with herpes simplex encephalitis (examples: Herman_2012). These report(s) do not provide unequivocal conclusions about association of the variant with Encephalopathy, acute, infection-induced (herpes-specific), susceptibility to, 8. At least one publication reports experimental evidence evaluating an impact on protein function, however, does not allow convincing conclusions about the variant effect (Herman_2012, van der Zee_2017). The following publications have been ascertained in the context of this evaluation (PMID: 22851595 , 28008748 ). ClinVar contains an entry for this variant (Variation ID: 495316). Based on the evidence outlined above, the variant was classified as uncertain significance.

Labcorp Genetics (formerly Invitae), Labcorp
Classification: Uncertain significance for Frontotemporal dementia and/or amyotrophic lateral sclerosis 4. Last evaluated: 2023-06-14. Review status: criteria provided, single submitter. Criteria: Invitae Variant Classification Sherloc (09022015). Collection method: clinical testing. Allele origin: germline.
Comment: In summary, the available evidence is currently insufficient to determine the role of this variant in disease. Therefore, it has been classified as a Variant of Uncertain Significance. Algorithms developed to predict the effect of sequence changes on RNA splicing suggest that this variant may create or strengthen a splice site. This sequence change replaces aspartic acid, which is acidic and polar, with alanine, which is neutral and non-polar, at codon 50 of the TBK1 protein (p.Asp50Ala). This variant is present in population databases (no rsID available, gnomAD 0.0009%). This missense change has been observed in individual(s) with herpes simplex encephalitis (PMID: 22851595). ClinVar contains an entry for this variant (Variation ID: 495316). Advanced modeling of protein sequence and biophysical properties (such as structural, functional, and spatial information, amino acid conservation, physicochemical variation, residue mobility, and thermodynamic stability) performed at Invitae indicates that this missense variant is not expected to disrupt TBK1 protein function. Experimental studies have shown that this missense change affects TBK1 function (PMID: 22851595, 28008748).

PreventionGenetics, part of Exact Sciences
Classification: Uncertain significance for TBK1-related condition. Last evaluated: 2024-03-19. Review status: no assertion criteria provided. Collection method: clinical testing. Allele origin: germline. Not counted in ClinVar's aggregate classification.
Comment: The TBK1 c.149A>C variant is predicted to result in the amino acid substitution p.Asp50Ala. This variant has not been reported in individuals with neurodegenerative disease in the literature. This variant is reported in 0.00091% of alleles in individuals of European (Non-Finnish) descent in gnomAD. At this time, the clinical significance of this variant is uncertain due to the absence of conclusive functional and genetic evidence.

OMIM
Classification: risk factor for ENCEPHALOPATHY, ACUTE, INFECTION-INDUCED (HERPES-SPECIFIC), SUSCEPTIBILITY TO, 8. Last evaluated: 2018-03-14. Review status: no assertion criteria provided. Collection method: literature only. Allele origin: germline. Not counted in ClinVar's aggregate classification.

Literature cited by the submitters: PubMed 28008748 (cited by Women's Health and Genetics/Laboratory Corporation of America, LabCorp and Labcorp Genetics (formerly Invitae), Labcorp); PubMed 22851595 (cited by 3 submitters).